The following is an entry in ClinVar:

ClinVar aggregate classification (germline): Uncertain significance (1 of 4 stars; one submission).

Submission:

Labcorp Genetics (formerly Invitae), Labcorp
Classification: Uncertain significance. Last evaluated: 2024-05-29. Review status: criteria provided, single submitter. Criteria: Invitae Variant Classification Sherloc (09022015). Collection method: clinical testing. Allele origin: germline.
Comment: This sequence change replaces phenylalanine, which is neutral and non-polar, with leucine, which is neutral and non-polar, at codon 393 of the SLC7A14 protein (p.Phe393Leu). This variant is not present in population databases (gnomAD no frequency). This variant has not been reported in the literature in individuals affected with SLC7A14-related conditions. ClinVar contains an entry for this variant (Variation ID: 1715523). An algorithm developed to predict the effect of missense changes on protein structure and function (PolyPhen-2) suggests that this variant is likely to be tolerated. In summary, the available evidence is currently insufficient to determine the role of this variant in disease. Therefore, it has been classified as a Variant of Uncertain Significance.

NM_020949.3(SLC7A14):c.1177T>C (p.Phe393Leu)

Genes: SLC7A14 (solute carrier family 7 member 14; minus strand), SLC7A14-AS1 (SLC7A14 antisense RNA 1; plus strand). Cytogenetic location: 3q26.2.
Variant type: single nucleotide variant.
Coding change: c.1177T>C on transcript NM_020949.3 (MANE Select); coding-DNA position 1177, T replaced by C.
Protein change: p.Phe393Leu; replaces phenylalanine 393 with leucine.
Molecular consequence: missense variant.
Genome position (GRCh38, 1-based): chr3:170,481,105, A>G on the plus strand (T>C on the coding strand, the complement: SLC7A14 is on the minus strand). VCF-style: chr3-170481105-A-G. GRCh37 (hg19) VCF-style: chr3-170198894-A-G.
Other names: short protein forms F393L.
Identifiers: ClinVar variation 1715523 (VCV001715523.5), dbSNP rs765370398, ClinGen allele CA355491245.